The following is an entry in ClinVar:

NM_025137.4(SPG11):c.5645T>C (p.Ile1882Thr)

Gene: SPG11 (SPG11 vesicle trafficking associated, spatacsin; minus strand). Cytogenetic location: 15q21.1.
Variant type: single nucleotide variant.
Coding change: c.5645T>C on transcript NM_025137.4 (MANE Select); coding-DNA position 5645, T replaced by C.
Protein change: p.Ile1882Thr; replaces isoleucine 1882 with threonine.
Molecular consequence: missense variant.
Genome position (GRCh38, 1-based): chr15:44,584,035, A>G on the plus strand (T>C on the coding strand, the complement: SPG11 is on the minus strand). VCF-style: chr15-44584035-A-G. GRCh37 (hg19) VCF-style: chr15-44876233-A-G.
Other names: p.Ile1882Thr; c.5645T>C, p.Ile1882Thr (NM_001160227.2); short protein forms I1882T.
Identifiers: ClinVar variation 466543 (VCV000466543.10), dbSNP rs760815236, ClinGen allele CA7534376.

ClinVar aggregate classification (germline): Uncertain significance. Review status: criteria provided, multiple submitters, no conflicts (2 of 4 stars). 3 submissions from 3 submitters: Uncertain significance (3). Last evaluated 2025-11-14.

Conditions:
Inborn genetic diseases. Identifiers: MedGen C0950123, MeSH D030342.
Hereditary spastic paraplegia 11. Also called: SPASTIC PARAPLEGIA, AUTOSOMAL RECESSIVE, COMPLICATED, WITH THIN CORPUS CALLOSUM; SPASTIC PARAPLEGIA, AUTOSOMAL RECESSIVE, WITH MENTAL IMPAIRMENT AND THIN CORPUS CALLOSUM; Nakamura Osame syndrome; Autosomal recessive hereditary spastic paraplegia, mental impairment, and thin corpus callosum; Spastic paraplegia, mental retardation and thin corpus callosum; Spastic Paraplegia 11. Identifiers: Orphanet 2822, MedGen C1858479, MONDO:0011445, OMIM 604360.

Allele frequency attached by ClinVar (database versions not stated): TOPMed 0.00002; gnomAD 0.00004.
gnomAD v4.1: 36 of 1,614,128 alleles (0.0022%); highest among the groups gnomAD compares: South Asian, 0.0077%; no homozygotes.

Submissions (3):

Mayo Clinic Laboratories, Mayo Clinic
Classification: Uncertain significance. Last evaluated: 2025-11-14. Review status: criteria provided, single submitter. Criteria: ACMG Guidelines, 2015. Collection method: clinical testing. Allele origin: germline. Observed: 2 variant alleles.
Comment: PP3, PM2_supporting

Labcorp Genetics (formerly Invitae), Labcorp
Classification: Uncertain significance for Hereditary spastic paraplegia 11. Last evaluated: 2022-07-10. Review status: criteria provided, single submitter. Criteria: Invitae Variant Classification Sherloc (09022015). Collection method: clinical testing. Allele origin: germline.
Comment: This sequence change replaces isoleucine, which is neutral and non-polar, with threonine, which is neutral and polar, at codon 1882 of the SPG11 protein (p.Ile1882Thr). This variant is present in population databases (rs760815236, gnomAD 0.003%). This variant has not been reported in the literature in individuals affected with SPG11-related conditions. ClinVar contains an entry for this variant (Variation ID: 466543). Algorithms developed to predict the effect of missense changes on protein structure and function (SIFT, PolyPhen-2, Align-GVGD) all suggest that this variant is likely to be disruptive. In summary, the available evidence is currently insufficient to determine the role of this variant in disease. Therefore, it has been classified as a Variant of Uncertain Significance.

Ambry Genetics
Classification: Uncertain significance for Inborn genetic diseases. Last evaluated: 2021-08-31. Review status: criteria provided, single submitter. Criteria: Ambry Variant Classification Scheme 2023. Collection method: clinical testing. Allele origin: germline.
Comment: The p.I1882T variant (also known as c.5645T>C), located in coding exon 30 of the SPG11 gene, results from a T to C substitution at nucleotide position 5645. The isoleucine at codon 1882 is replaced by threonine, an amino acid with similar properties. This amino acid position is conserved. In addition, the in silico prediction for this alteration is inconclusive. Since supporting evidence is limited at this time, the clinical significance of this alteration remains unclear.

Literature cited by the submitters: PubMed 40225153 (cited by Mayo Clinic Laboratories, Mayo Clinic).